The following is an entry in ClinVar:

ClinVar aggregate classification (germline): Uncertain significance (1 of 4 stars; one submission).

Conditions:
Inborn genetic diseases. Identifiers: MedGen C0950123, MeSH D030342.

gnomAD v4.1: 7 of 1,595,090 alleles (0.00044%); highest among the groups gnomAD compares: Non-Finnish European, 0.00059%; no homozygotes.

Submission:

Ambry Genetics
Classification: Uncertain significance for Inborn genetic diseases. Last evaluated: 2025-01-06. Review status: criteria provided, single submitter. Criteria: Ambry Variant Classification Scheme 2023. Collection method: clinical testing. Allele origin: germline.
Comment: The p.T24I variant (also known as c.71C>T), located in coding exon 2 of the ELANE gene, results from a C to T substitution at nucleotide position 71. The threonine at codon 24 is replaced by isoleucine, an amino acid with similar properties. This amino acid position is conserved. In addition, this alteration is predicted to be tolerated by in silico analysis. Based on the available evidence, the clinical significance of this variant remains unclear.

NM_001972.4(ELANE):c.71C>T (p.Thr24Ile)

Gene: ELANE (elastase, neutrophil expressed; plus strand). Cytogenetic location: 19p13.3.
Variant type: single nucleotide variant.
Coding change: c.71C>T on transcript NM_001972.4 (MANE Select); coding-DNA position 71, C replaced by T.
Protein change: p.Thr24Ile; replaces threonine 24 with isoleucine.
Molecular consequence: missense variant.
Genome position (GRCh38, 1-based): chr19:852,879, C>T. VCF-style: chr19-852879-C-T. GRCh37 (hg19) VCF-style: chr19-852879-C-T.
Other names: short protein forms T24I.
Identifiers: ClinVar variation 3844288 (VCV003844288.1).